The following is an entry in ClinVar:

NM_003128.3(SPTBN1):c.2621A>G (p.Asn874Ser)

Gene: SPTBN1 (spectrin beta, non-erythrocytic 1; plus strand). Cytogenetic location: 2p16.2.
Variant type: single nucleotide variant.
Coding change: c.2621A>G on transcript NM_003128.3 (MANE Select); coding-DNA position 2621, A replaced by G.
Protein change: p.Asn874Ser; replaces asparagine 874 with serine.
Molecular consequence: missense variant.
Genome position (GRCh38, 1-based): chr2:54,629,755, A>G. VCF-style: chr2-54629755-A-G. GRCh37 (hg19) VCF-style: chr2-54856892-A-G.
Other names: c.2582A>G, p.Asn861Ser (NM_178313.3); short protein forms N861S, N874S.
Identifiers: ClinVar variation 4885387 (VCV004885387.2).

ClinVar aggregate classification (germline): Uncertain significance (1 of 4 stars; one submission).

gnomAD v4.1: 1 of 1,611,338 alleles (0.000062%); highest among the groups gnomAD compares: Non-Finnish European, 0.000085%; no homozygotes.

Submission:

Dasa
Classification: Uncertain significance. Last evaluated: 2025-10-29. Review status: criteria provided, single submitter. Criteria: DASA Assertion Criteria. Collection method: clinical testing. Allele origin: germline.
Comment: NM_003128.3(SPTBN1):c.2621A>G (p.Asn874Ser) is a missense variant that results in the substitution of asparagine with serine. This variant is rare in population databases. Computational prediction algorithms are consistent with a benign effect. The currently available literature and clinical evidence are not sufficient to establish a definitive association between this variant and the reported condition. Therefore, this variant is classified as a variant of uncertain significance.